The following is an entry in ClinVar:

ClinVar aggregate classification (germline): Uncertain significance (1 of 4 stars; one submission).

Conditions:
Hereditary cancer-predisposing syndrome. Also called: Neoplastic Syndromes, Hereditary; Tumor predisposition; Hereditary Cancer Syndrome; Hereditary neoplastic syndrome. Identifiers: Orphanet 140162, MedGen C0027672, MeSH D009386, MONDO:0015356.

Submission:

Ambry Genetics
Classification: Uncertain significance for Hereditary cancer-predisposing syndrome. Last evaluated: 2025-10-23. Review status: criteria provided, single submitter. Criteria: Ambry Variant Classification Scheme 2023. Collection method: clinical testing. Allele origin: germline.
Comment: The p.P361L variant (also known as c.1082C>T), located in coding exon 9 of the MRE11A gene, results from a C to T substitution at nucleotide position 1082. The proline at codon 361 is replaced by leucine, an amino acid with similar properties. This amino acid position is conserved. In addition, this alteration is predicted to be deleterious by in silico analysis. Since supporting evidence is limited at this time, the clinical significance of this alteration remains unclear.

NM_005591.4(MRE11):c.1082C>T (p.Pro361Leu)

Gene: MRE11 (MRE11 double strand break repair nuclease; minus strand). Cytogenetic location: 11q21.
Variant type: single nucleotide variant.
Coding change: c.1082C>T on transcript NM_005591.4 (MANE Select); coding-DNA position 1082, C replaced by T.
Protein change: p.Pro361Leu; replaces proline 361 with leucine.
Molecular consequence: missense variant.
Genome position (GRCh38, 1-based): chr11:94,467,829, G>A on the plus strand (C>T on the coding strand, the complement: MRE11 is on the minus strand). VCF-style: chr11-94467829-G-A. GRCh37 (hg19) VCF-style: chr11-94200995-G-A.
Other names: c.1082C>T, p.Pro361Leu (NM_001330347.2, NM_005590.4); short protein forms P361L.
Identifiers: ClinVar variation 1800152 (VCV001800152.3), dbSNP rs1591688182, ClinGen allele CA382373676.